The following is an entry in ClinVar:

NC_000008.10:g.(?_100026017)_(100287502_?)dup

Gene: VPS13B (vacuolar protein sorting 13 homolog B; plus strand). Cytogenetic location: 8q22.2.
Variant type: Duplication.
Identifiers: ClinVar variation 2426402 (VCV002426402.3).

ClinVar aggregate classification (germline): Uncertain significance (1 of 4 stars; one submission).

Conditions:
Cohen syndrome (COH1). Also called: Cutis verticis gyrata, retinitis pigmentosa, and sensorineural deafness; PEPPER SYNDROME. Identifiers: Orphanet 193, MedGen C0265223, MONDO:0008999, OMIM 216550.

Submission:

Labcorp Genetics (formerly Invitae), Labcorp
Classification: Uncertain significance for Cohen syndrome. Last evaluated: 2021-12-27. Review status: criteria provided, single submitter. Criteria: Invitae Variant Classification Sherloc (09022015). Collection method: clinical testing. Allele origin: germline.
Comment: This variant results in a copy number gain of the genomic region encompassing exon(s) 2-19 of the VPS13B gene. This region includes the initiator codon of the gene. This copy number gain extends beyond the assayed region for this gene and therefore may encompass additional genes. As the precise location of this event is unknown, it may be in tandem or it may be located elsewhere in the genome. This variant has not been reported in the literature in individuals affected with VPS13B-related conditions. Experimental studies and prediction algorithms are not available or were not evaluated, and the functional significance of this variant is currently unknown. In summary, the available evidence is currently insufficient to determine the role of this variant in disease. Therefore, it has been classified as a Variant of Uncertain Significance.